The following is an entry in ClinVar:

NM_024334.3(TMEM43):c.268C>T (p.His90Tyr)

Gene: TMEM43 (transmembrane protein 43; plus strand). Cytogenetic location: 3p25.1.
Variant type: single nucleotide variant.
Coding change: c.268C>T on transcript NM_024334.3 (MANE Select); coding-DNA position 268, C replaced by T.
Protein change: p.His90Tyr; replaces histidine 90 with tyrosine.
Molecular consequence: missense variant.
Genome position (GRCh38, 1-based): chr3:14,130,927, C>T. VCF-style: chr3-14130927-C-T. GRCh37 (hg19) VCF-style: chr3-14172427-C-T.
Other names: c.268C>T, p.His90Tyr (NM_001407274.1, NM_001407275.1, NM_001407276.1 and 2 more transcripts); c.253C>T, p.His85Tyr (NM_001407278.1); c.118C>T, p.His40Tyr (NM_001407280.1); short protein forms H40Y, H85Y, H90Y.
Identifiers: ClinVar variation 4535963 (VCV004535963.3).

ClinVar aggregate classification (germline): Uncertain significance. Review status: criteria provided, multiple submitters, no conflicts (2 of 4 stars). 2 submissions from 2 submitters: Uncertain significance (2). Last evaluated 2026-06-26.

Conditions:
Arrhythmogenic right ventricular dysplasia 5. Also called: ARRHYTHMOGENIC RIGHT VENTRICULAR DYSPLASIA, FAMILIAL, 5; Arrhythmogenic Right Ventricular Dysplasia/Cardiomyopathy 5. Identifiers: MedGen C1858379, MONDO:0011459, OMIM 604400.

gnomAD v4.1: 2 of 1,613,044 alleles (0.00012%); highest among the groups gnomAD compares: Admixed American, 0.0033%; no homozygotes.

Submissions (2):

Women's Health and Genetics/Laboratory Corporation of America, LabCorp
Classification: Uncertain significance. Last evaluated: 2026-06-26. Review status: criteria provided, single submitter. Criteria: LabCorp Variant Classification Summary - May 2015. Collection method: clinical testing. Allele origin: germline.
Comment: Variant summary: TMEM43 c.268C>T (p.His90Tyr) results in a conservative amino acid change in the encoded protein sequence. Algorithms developed to predict the effect of missense changes on protein structure and function are either unavailable or do not agree on the potential impact of this missense change. The variant was absent in 250184 control chromosomes. The available data on variant occurrences in the general population are insufficient to allow any conclusion about variant significance. To our knowledge, no occurrence of c.268C>T in individuals affected with TMEM43-related conditions and no experimental evidence demonstrating its impact on protein function have been reported. ClinVar contains an entry for this variant (Variation ID: 4535963). Based on the evidence outlined above, the variant was classified as uncertain significance.

Labcorp Genetics (formerly Invitae), Labcorp
Classification: Uncertain significance for Arrhythmogenic right ventricular dysplasia 5. Last evaluated: 2025-10-27. Review status: criteria provided, single submitter. Criteria: Invitae Variant Classification Sherloc (09022015). Collection method: clinical testing. Allele origin: germline.
Comment: This sequence change replaces histidine, which is basic and polar, with tyrosine, which is neutral and polar, at codon 90 of the TMEM43 protein (p.His90Tyr). This variant is not present in population databases (gnomAD no frequency). This variant has not been reported in the literature in individuals affected with TMEM43-related conditions. Invitae Evidence Modeling of protein sequence and biophysical properties (such as structural, functional, and spatial information, amino acid conservation, physicochemical variation, residue mobility, and thermodynamic stability) indicates that this missense variant is not expected to disrupt TMEM43 protein function with a negative predictive value of 80%. In summary, the available evidence is currently insufficient to determine the role of this variant in disease. Therefore, it has been classified as a Variant of Uncertain Significance.